The following is an entry in ClinVar:

ClinVar aggregate classification (germline): Uncertain significance. Review status: criteria provided, multiple submitters, no conflicts (2 of 4 stars). 3 submissions from 3 submitters: Uncertain significance (3). Last evaluated 2025-11-03.

Conditions:
Hereditary cancer-predisposing syndrome. Also called: Neoplastic Syndromes, Hereditary; Tumor predisposition; Hereditary Cancer Syndrome; Hereditary neoplastic syndrome. Identifiers: Orphanet 140162, MedGen C0027672, MeSH D009386, MONDO:0015356.
Multiple endocrine neoplasia, type 2 (MEN2). Identifiers: Orphanet 653, MedGen C4048306, MONDO:0019003. Disease mechanism: gain of function.

Allele frequency attached by ClinVar (database versions not stated): gnomAD exomes below 0.00001; ExAC 0.00001; gnomAD 0.00001; 1000 Genomes Project 30x 0.00016; 1000 Genomes Project 0.00020.
gnomAD v4.1: 3 of 1,613,946 alleles (0.00019%); highest among the groups gnomAD compares: East Asian, 0.0022%; no homozygotes.

Submissions (3):

Quest Diagnostics Nichols Institute San Juan Capistrano
Classification: Uncertain significance. Last evaluated: 2025-11-03. Review status: criteria provided, single submitter. Criteria: Quest Diagnostics criteria. Collection method: clinical testing. Allele origin: unknown.

Ambry Genetics
Classification: Uncertain significance for Hereditary cancer-predisposing syndrome. Last evaluated: 2024-05-07. Review status: criteria provided, single submitter. Criteria: Ambry Variant Classification Scheme 2023. Collection method: clinical testing. Allele origin: germline.
Comment: The p.N554S variant (also known as c.1661A>G), located in coding exon 9 of the RET gene, results from an A to G substitution at nucleotide position 1661. The asparagine at codon 554 is replaced by serine, an amino acid with highly similar properties. This amino acid position is well conserved in available vertebrate species. In addition, the in silico prediction for this alteration is inconclusive. Since supporting evidence is limited at this time, the clinical significance of this alteration remains unclear.

All of Us Research Program, National Institutes of Health
Classification: Uncertain significance for Multiple endocrine neoplasia, type 2. Last evaluated: 2023-03-04. Review status: criteria provided, single submitter. Criteria: ACMG Guidelines, 2015. Collection method: clinical testing. Allele origin: germline. Inheritance: Autosomal dominant inheritance. Observed: 1 variant allele, 1 heterozygote.
Comment: This study involves interpretation of variants in research participants for the purpose of population health screening. Participant phenotype was not available at the time of variant classification. Additional details can be found in publication PMID: 35346344, PMCID: PMC8962531

NM_020975.6(RET):c.1661A>G (p.Asn554Ser)

Gene: RET (ret proto-oncogene; plus strand). Cytogenetic location: 10q11.21.
Variant type: single nucleotide variant.
Coding change: c.1661A>G on transcript NM_020975.6 (MANE Select); coding-DNA position 1661, A replaced by G.
Protein change: p.Asn554Ser; replaces asparagine 554 with serine.
Molecular consequence: missense variant.
Genome position (GRCh38, 1-based): chr10:43,112,865, A>G. VCF-style: chr10-43112865-A-G. GRCh37 (hg19) VCF-style: chr10-43608313-A-G.
Other names: c.1661A>G, p.Asn554Ser (NM_000323.2, NM_001406743.1, NM_001406744.1 and 6 more transcripts); c.899A>G, p.Asn300Ser (NM_001355216.2); c.1532A>G, p.Asn511Ser (NM_001406761.1, NM_001406762.1, NM_001406764.1 and 1 more transcripts); c.1373A>G, p.Asn458Ser (NM_001406766.1, NM_001406767.1, NM_001406770.1); c.1265A>G, p.Asn422Ser (NM_001406769.1, NM_001406772.1); c.1223A>G, p.Asn408Ser (NM_001406771.1, NM_001406773.1); c.1136A>G, p.Asn379Ser (NM_001406774.1); c.935A>G, p.Asn312Ser (NM_001406775.1, NM_001406776.1, NM_001406777.1 and 1 more transcripts); and 5 more; short protein forms N554S, N300S, N255S, N408S, N458S, N511S, N212S, N224S.
Identifiers: ClinVar variation 819742 (VCV000819742.9), dbSNP rs200047805, ClinGen allele CA034964.